The following is an entry in ClinVar:

ClinVar aggregate classification (germline): Uncertain significance (1 of 4 stars; one submission).

gnomAD v4.1: 2 of 1,602,110 alleles (0.00012%); highest among the groups gnomAD compares: Non-Finnish European, 0.00017%; no homozygotes.

Submission:

Ambry Genetics
Classification: Uncertain significance. Last evaluated: 2025-07-14. Review status: criteria provided, single submitter. Criteria: Ambry Variant Classification Scheme 2023. Collection method: clinical testing. Allele origin: germline.
Comment: The p.C922S variant (also known as c.2765G>C), located in coding exon 8 of the CDK12 gene, results from a G to C substitution at nucleotide position 2765. The cysteine at codon 922 is replaced by serine, an amino acid with dissimilar properties. This amino acid position is conserved. In addition, the in silico prediction for this alteration is inconclusive. Based on the available evidence, the clinical significance of this variant remains unclear.

NM_016507.4(CDK12):c.2765G>C (p.Cys922Ser)

Gene: CDK12 (cyclin dependent kinase 12; plus strand). Cytogenetic location: 17q12.
Variant type: single nucleotide variant.
Coding change: c.2765G>C on transcript NM_016507.4 (MANE Select); coding-DNA position 2765, G replaced by C.
Protein change: p.Cys922Ser; replaces cysteine 922 with serine.
Molecular consequence: missense variant.
Genome position (GRCh38, 1-based): chr17:39,511,627, G>C. VCF-style: chr17-39511627-G-C. GRCh37 (hg19) VCF-style: chr17-37667880-G-C.
Other names: c.2765G>C, p.Cys922Ser (NM_015083.4); short protein forms C922S.
Identifiers: ClinVar variation 4224287 (VCV004224287.1).